The following is an entry in ClinVar:

ClinVar aggregate classification (germline): Benign/Likely benign. Review status: criteria provided, multiple submitters, no conflicts (2 of 4 stars). 6 submissions from 6 submitters: Benign (1); Likely benign (3). 2 of the submissions do not count toward it. Last evaluated 2025-04-13.

Conditions:
Cardiovascular phenotype. Identifiers: MedGen CN230736.
Dilated cardiomyopathy 1JJ (CMD1JJ). Identifiers: Orphanet 154, MedGen C3808935, MONDO:0014095, OMIM 615235.

Allele frequency attached by ClinVar (database versions not stated): TOPMed 0.00002; 1000 Genomes Project 30x 0.00078; 1000 Genomes Project 0.00100.
gnomAD v4.1: 742 of 1,609,348 alleles (0.046%); highest among the groups gnomAD compares: South Asian, 0.78%; 18 homozygotes.

Submissions (6):

Labcorp Genetics (formerly Invitae), Labcorp
Classification: Benign for Dilated cardiomyopathy 1JJ. Last evaluated: 2025-04-13. Review status: criteria provided, single submitter. Criteria: Invitae Variant Classification Sherloc (09022015). Collection method: clinical testing. Allele origin: germline.

Fulgent Genetics
Classification: Likely benign for Dilated cardiomyopathy 1JJ. Last evaluated: 2021-09-13. Review status: criteria provided, single submitter. Criteria: ACMG Guidelines, 2015. Collection method: clinical testing. Allele origin: unknown.

Ambry Genetics
Classification: Likely benign for Cardiovascular phenotype. Last evaluated: 2017-01-05. Review status: criteria provided, single submitter. Criteria: Ambry Variant Classification Scheme 2023. Collection method: clinical testing. Allele origin: germline.

GeneDx
Classification: Likely benign. Last evaluated: 2015-04-23. Review status: criteria provided, single submitter. Criteria: GeneDx Variant Classification (06012015). Collection method: clinical testing. Allele origin: germline. Affected: yes.
Comment: This variant is considered likely benign or benign based on one or more of the following criteria: it is a conservative change, it occurs at a poorly conserved position in the protein, it is predicted to be benign by multiple in silico algorithms, and/or has population frequency not consistent with disease.

Clinical Genetics, Academic Medical Center
Classification: Benign. Review status: no assertion criteria provided. Collection method: clinical testing. Allele origin: germline. Affected: yes. Study: VKGL Data-share Consensus. Not counted in ClinVar's aggregate classification.

Genome Diagnostics Laboratory, University Medical Center Utrecht
Classification: Likely benign. Review status: no assertion criteria provided. Collection method: clinical testing. Allele origin: germline. Affected: yes. Study: VKGL Data-share Consensus. Not counted in ClinVar's aggregate classification.

NM_001105206.3(LAMA4):c.85G>C (p.Asp29His)

Genes: LAMA4 (laminin subunit alpha 4; minus strand), LAMA4-AS1 (LAMA4 antisense RNA 1; plus strand). Cytogenetic location: 6q21.
Variant type: single nucleotide variant.
Coding change: c.85G>C on transcript NM_001105206.3 (MANE Select); coding-DNA position 85, G replaced by C.
Protein change: p.Asp29His; replaces aspartic acid 29 with histidine.
Molecular consequence: missense variant.
Genome position (GRCh38, 1-based): chr6:112,254,066, C>G on the plus strand (G>C on the coding strand, the complement: LAMA4 is on the minus strand). VCF-style: chr6-112254066-C-G. GRCh37 (hg19) VCF-style: chr6-112575268-C-G.
Other names: p.D29H:GAC>CAC; c.85G>C, p.Asp29His (NM_001105207.3, NM_001105208.3, NM_001105209.3 and 1 more transcripts); short protein forms D29H.
Identifiers: ClinVar variation 213572 (VCV000213572.17), dbSNP rs150662822, ClinGen allele CA323130.
Genomic context (GRCh38, chr6:112,254,066, plus strand): 5'-CAGGCGGGTCTTGCCTGCCAACCGCTGAGCTCCCTTCAATGTCAAAAGGAAAAGCGTTGT[C>G]GTCCCCGGACGCGGCGCGGGAGCAGGCAGCGCTCCAGAGGAGCCACAGAGGCAGAACCGA-3'
Protein context (NP_001098676.2, residues 19-39): AACSRAASGD[Asp29His]NAFPFDIEGS